The following is an entry in ClinVar:

ClinVar aggregate classification (germline): Uncertain significance (1 of 4 stars; one submission).

Conditions:
Inborn genetic diseases. Identifiers: MedGen C0950123, MeSH D030342.

Submission:

Ambry Genetics
Classification: Uncertain significance for Inborn genetic diseases. Last evaluated: 2025-11-09. Review status: criteria provided, single submitter. Criteria: Ambry Variant Classification Scheme 2023. Collection method: clinical testing. Allele origin: germline.
Comment: The p.R161S variant (also known as c.483G>T), located in coding exon 4 of the CEP57 gene, results from a G to T substitution at nucleotide position 483. The arginine at codon 161 is replaced by serine, an amino acid with dissimilar properties. This amino acid position is conserved. In addition, the in silico prediction for this alteration is inconclusive. Based on the available evidence, the clinical significance of this variant remains unclear.

NM_014679.5(CEP57):c.483G>T (p.Arg161Ser)

Gene: CEP57 (centrosomal protein 57; plus strand). Cytogenetic location: 11q21.
Variant type: single nucleotide variant.
Coding change: c.483G>T on transcript NM_014679.5 (MANE Select); coding-DNA position 483, G replaced by T.
Protein change: p.Arg161Ser; replaces arginine 161 with serine.
Molecular consequence: missense variant.
Genome position (GRCh38, 1-based): chr11:95,813,568, G>T. VCF-style: chr11-95813568-G-T. GRCh37 (hg19) VCF-style: chr11-95546732-G-T.
Other names: c.483G>T, p.Arg161Ser (NM_001440874.1, NM_001440876.1, NM_001440879.1 and 4 more transcripts); c.402G>T, p.Arg134Ser (NM_001440875.1, NM_001440877.1, NM_001440878.1 and 3 more transcripts); c.222G>T, p.Arg74Ser (NM_001440880.1); c.303G>T, p.Arg101Ser (NM_001440881.1, NM_001440873.1); c.456G>T, p.Arg152Ser (NM_001243776.2); short protein forms R134S, R101S, R152S, R161S, R74S.
Identifiers: ClinVar variation 4613631 (VCV004613631.1).